The following is an entry in ClinVar:

NM_001170629.2(CHD8):c.6412A>G (p.Met2138Val)

Gene: CHD8 (chromodomain helicase DNA binding protein 8; minus strand). Cytogenetic location: 14q11.2.
Variant type: single nucleotide variant.
Coding change: c.6412A>G on transcript NM_001170629.2 (MANE Select); coding-DNA position 6412, A replaced by G.
Protein change: p.Met2138Val; replaces methionine 2138 with valine.
Molecular consequence: missense variant.
Genome position (GRCh38, 1-based): chr14:21,393,162, T>C on the plus strand (A>G on the coding strand, the complement: CHD8 is on the minus strand). VCF-style: chr14-21393162-T-C. GRCh37 (hg19) VCF-style: chr14-21861321-T-C.
Other names: c.5575A>G, p.Met1859Val (NM_020920.4); short protein forms M1859V, M2138V.
Identifiers: ClinVar variation 2429517 (VCV002429517.5), dbSNP rs1323339271, ClinGen allele CA388879216.
Genomic context (GRCh38, chr14:21,393,162, plus strand): 5'-TTACCTTGGGCCACTCAGAGGCTCTTTGTCTTTCCTGCAGTAGCAGAAGCTCAGGGGTCA[T>C]TTGTTCTCCATCTTCATTTGGGAATCCATCTTGGGACATAGTGAGGGACAGGAGACTCTC-3'
Protein context (NP_001164100.1, residues 2128-2148): DGFPNEDGEQ[Met2138Val]TPELLLLQER

ClinVar aggregate classification (germline): Uncertain significance. Review status: criteria provided, multiple submitters, no conflicts (2 of 4 stars). 3 submissions from 3 submitters: Uncertain significance (3). Last evaluated 2025-04-01.

Conditions:
Inborn genetic diseases. Identifiers: MedGen C0950123, MeSH D030342.

Allele frequency attached by ClinVar (database versions not stated): gnomAD exomes below 0.00001.
gnomAD v4.1: 1 of 1,613,994 alleles (0.000062%); highest among the groups gnomAD compares: Admixed American, 0.0017%; no homozygotes.

Submissions (3):

Ambry Genetics
Classification: Uncertain significance for Inborn genetic diseases. Last evaluated: 2025-04-01. Review status: criteria provided, single submitter. Criteria: Ambry Variant Classification Scheme 2023. Collection method: clinical testing. Allele origin: germline.

Labcorp Genetics (formerly Invitae), Labcorp
Classification: Uncertain significance. Last evaluated: 2023-12-11. Review status: criteria provided, single submitter. Criteria: Invitae Variant Classification Sherloc (09022015). Collection method: clinical testing. Allele origin: germline.
Comment: This sequence change replaces methionine, which is neutral and non-polar, with valine, which is neutral and non-polar, at codon 2138 of the CHD8 protein (p.Met2138Val). This variant is present in population databases (no rsID available, gnomAD 0.003%). This variant has not been reported in the literature in individuals affected with CHD8-related conditions. ClinVar contains an entry for this variant (Variation ID: 2429517). Advanced modeling of protein sequence and biophysical properties (such as structural, functional, and spatial information, amino acid conservation, physicochemical variation, residue mobility, and thermodynamic stability) performed at Invitae indicates that this missense variant is not expected to disrupt CHD8 protein function with a negative predictive value of 80%. In summary, the available evidence is currently insufficient to determine the role of this variant in disease. Therefore, it has been classified as a Variant of Uncertain Significance.

GeneDx
Classification: Uncertain significance. Last evaluated: 2023-02-06. Review status: criteria provided, single submitter. Criteria: GeneDx Variant Classification Process June 2021. Collection method: clinical testing. Allele origin: germline. Affected: yes.
Comment: Not observed at significant frequency in large population cohorts (gnomAD); In silico analysis supports that this missense variant does not alter protein structure/function; Has not been previously published as pathogenic or benign to our knowledge